The following is an entry in ClinVar:

NM_024301.5(FKRP):c.557C>T (p.Pro186Leu)

Gene: FKRP (fukutin related protein; plus strand). Cytogenetic location: 19q13.32.
Variant type: single nucleotide variant.
Coding change: c.557C>T on transcript NM_024301.5 (MANE Select); coding-DNA position 557, C replaced by T.
Protein change: p.Pro186Leu; replaces proline 186 with leucine.
Molecular consequence: missense variant.
Genome position (GRCh38, 1-based): chr19:46,756,007, C>T. VCF-style: chr19-46756007-C-T. GRCh37 (hg19) VCF-style: chr19-47259264-C-T.
Other names: c.557C>T, p.Pro186Leu (NM_001039885.3); short protein forms P186L.
Identifiers: ClinVar variation 285296 (VCV000285296.11), dbSNP rs745619101, ClinGen allele CA10605068.

ClinVar aggregate classification (germline): Uncertain significance. Review status: criteria provided, multiple submitters, no conflicts (2 of 4 stars). 4 submissions from 4 submitters: Uncertain significance (3). 1 of the submissions does not count toward it. Last evaluated 2025-01-16.

Conditions:
Walker-Warburg congenital muscular dystrophy. Also called: Muscular dystrophy-dystroglycanopathy, type A; Walker-Warburg syndrome. Identifiers: Orphanet 899, MedGen C0265221, MONDO:0000171.
Cardiovascular phenotype. Identifiers: MedGen CN230736.
Autosomal recessive limb-girdle muscular dystrophy type 2I. Also called: MUSCULAR DYSTROPHY-DYSTROGLYCANOPATHY, LIMB-GIRDLE, FRKP-RELATED; MUSCULAR DYSTROPHY-DYSTROGLYCANOPATHY (LIMB-GIRDLE), TYPE C, 5; MUSCULAR DYSTROPHY, LIMB-GIRDLE, TYPE 2I. Identifiers: Orphanet 34515, MedGen C1846672, MONDO:0011787, OMIM 607155.

Allele frequency attached by ClinVar (database versions not stated): gnomAD 0.00001; TOPMed 0.00001.

Submissions (4):

Ambry Genetics
Classification: Uncertain significance for Cardiovascular phenotype. Last evaluated: 2025-01-16. Review status: criteria provided, single submitter. Criteria: Ambry Variant Classification Scheme 2023. Collection method: clinical testing. Allele origin: germline.
Comment: The p.P186L variant (also known as c.557C>T), located in coding exon 1 of the FKRP gene, results from a C to T substitution at nucleotide position 557. The proline at codon 186 is replaced by leucine, an amino acid with similar properties. This amino acid position is conserved. In addition, this alteration is predicted to be tolerated by in silico analysis. Based on the available evidence, the clinical significance of this variant remains unclear.

Labcorp Genetics (formerly Invitae), Labcorp
Classification: Uncertain significance for Walker-Warburg congenital muscular dystrophy. Last evaluated: 2021-10-21. Review status: criteria provided, single submitter. Criteria: Invitae Variant Classification Sherloc (09022015). Collection method: clinical testing. Allele origin: germline.
Comment: This sequence change replaces proline with leucine at codon 186 of the FKRP protein (p.Pro186Leu). The proline residue is moderately conserved and there is a moderate physicochemical difference between proline and leucine. The frequency data for this variant in the population databases is considered unreliable, as metrics indicate insufficient coverage at this position in the ExAC database. This variant has not been reported in the literature in individuals affected with FKRP-related conditions. ClinVar contains an entry for this variant (Variation ID: 285296). Algorithms developed to predict the effect of missense changes on protein structure and function (SIFT, PolyPhen-2, Align-GVGD) all suggest that this variant is likely to be tolerated. In summary, the available evidence is currently insufficient to determine the role of this variant in disease. Therefore, it has been classified as a Variant of Uncertain Significance.

Eurofins Ntd Llc (ga)
Classification: Uncertain significance. Last evaluated: 2015-12-17. Review status: criteria provided, single submitter. Criteria: EGL Classification Definitions 2015. Collection method: clinical testing. Allele origin: germline. Observed: 1 variant allele, 1 heterozygote.

Natera, Inc.
Classification: Uncertain significance for Limb-girdle muscular dystrophy type 2I. Last evaluated: 2020-09-16. Review status: no assertion criteria provided. Collection method: clinical testing. Allele origin: germline. Not counted in ClinVar's aggregate classification.